The following is an entry in ClinVar:

ClinVar aggregate classification (germline): Likely benign. Review status: criteria provided, multiple submitters, no conflicts (2 of 4 stars). 4 submissions from 4 submitters: Likely benign (4). Last evaluated 2026-03-25.

Conditions:
Bardet-Biedl syndrome (BBS). Identifiers: Orphanet 110, MedGen C0752166, MONDO:0015229.
BBS2-related disorder. Also called: BBS2-related disorders; BBS2-related condition. Identifiers: MedGen CN239228.

Allele frequency attached by ClinVar (database versions not stated): gnomAD 0.00001 and 0.00002; TOPMed 0.00001; gnomAD exomes 0.00002; ExAC 0.00003; ESP Exome Variant Server 0.00008.
gnomAD v4.1: 30 of 1,613,446 alleles (0.0019%); highest among the groups gnomAD compares: Non-Finnish European, 0.0019%; no homozygotes.

Submissions (4):

PreventionGenetics, part of Exact Sciences
Classification: Likely benign for BBS2-related condition. Last evaluated: 2026-03-25. Review status: criteria provided, single submitter. Criteria: ACMG Guidelines, 2015. Collection method: clinical testing. Allele origin: germline.
Comment: This variant is classified as likely benign based on ACMG/AMP sequence variant interpretation guidelines (Richards et al. 2015 PMID: 25741868, with internal and published modifications).

Labcorp Genetics (formerly Invitae), Labcorp
Classification: Likely benign for Bardet-Biedl syndrome. Last evaluated: 2026-02-02. Review status: criteria provided, single submitter. Criteria: Invitae Variant Classification Sherloc (09022015). Collection method: clinical testing. Allele origin: germline.

CeGaT Center for Human Genetics Tuebingen
Classification: Likely benign. Last evaluated: 2025-03-01. Review status: criteria provided, single submitter. Criteria: CeGaT Center For Human Genetics Tuebingen Variant Classification Criteria Version 2. Collection method: clinical testing. Allele origin: germline. Affected: yes. Observed: 1 variant allele.
Comment: BBS2: BP4, BP7

Blueprint Genetics
Classification: Likely benign. Last evaluated: 2024-03-27. Review status: criteria provided, single submitter. Criteria: ACMG Guidelines, 2015. Collection method: clinical testing. Allele origin: germline.

NM_031885.5(BBS2):c.91C>T (p.Leu31=)

Gene: BBS2 (Bardet-Biedl syndrome 2; minus strand). Cytogenetic location: 16q13.
Variant type: single nucleotide variant.
Coding change: c.91C>T on transcript NM_031885.5 (MANE Select); coding-DNA position 91, C replaced by T.
Protein change: p.Leu31=; no amino-acid change (leucine 31 retained).
Molecular consequence: synonymous variant. On other transcripts: non-coding transcript variant (5).
Genome position (GRCh38, 1-based): chr16:56,519,772, G>A on the plus strand (C>T on the coding strand, the complement: BBS2 is on the minus strand). VCF-style: chr16-56519772-G-A. GRCh37 (hg19) VCF-style: chr16-56553684-G-A.
Other names: c.91C>T (NM_031885.3); c.91C>T, p.Leu31= (NM_001377456.1).
Identifiers: ClinVar variation 1161334 (VCV001161334.19), dbSNP rs373185970, ClinGen allele CA8066143.